The following is an entry in ClinVar:

NM_207037.2(TCF12):c.2068C>T (p.Pro690Ser)

Gene: TCF12 (transcription factor 12; plus strand). Cytogenetic location: 15q21.3.
Variant type: single nucleotide variant.
Coding change: c.2068C>T on transcript NM_207037.2 (MANE Select); coding-DNA position 2068, C replaced by T.
Protein change: p.Pro690Ser; replaces proline 690 with serine.
Molecular consequence: missense variant.
Genome position (GRCh38, 1-based): chr15:57,282,534, C>T. VCF-style: chr15-57282534-C-T. GRCh37 (hg19) VCF-style: chr15-57574732-C-T.
Other names: c.1558C>T, p.Pro520Ser (NM_001306219.3); c.1288C>T, p.Pro430Ser (NM_001306220.3); c.2068C>T, p.Pro690Ser (NM_001322151.2, NM_001322159.3, NM_001322162.2 and 1 more transcripts); c.2065C>T, p.Pro689Ser (NM_001322152.2, NM_001322161.2); c.1411C>T, p.Pro471Ser (NM_001322154.2); c.1894C>T, p.Pro632Ser (NM_001322156.2); c.1996C>T, p.Pro666Ser (NM_001322157.3, NM_001322165.2, NM_003205.4 and 1 more transcripts); c.1822C>T, p.Pro608Ser (NM_001322158.2); and 2 more; short protein forms P430S, P471S, P496S, P520S, P608S, P632S, P666S, P678S.
Identifiers: ClinVar variation 1000138 (VCV001000138.9), dbSNP rs2061739586, ClinGen allele CA392593956.

ClinVar aggregate classification (germline): Uncertain significance. Review status: criteria provided, multiple submitters, no conflicts (2 of 4 stars). 2 submissions from 2 submitters: Uncertain significance (2). Last evaluated 2018-03-05.

Conditions:
TCF12-related craniosynostosis. Also called: Craniosynostosis 3. Identifiers: Orphanet 35098, Orphanet 35099, Orphanet 672979, MedGen C3715051, MONDO:0014128, OMIM 615314.

Allele frequency attached by ClinVar (database versions not stated): gnomAD exomes below 0.00001; TOPMed below 0.00001.
gnomAD v4.1: 1 of 1,614,220 alleles (0.000062%); highest among the groups gnomAD compares: African/African-American, 0.0013%; no homozygotes.

Submissions (2):

CENTOGENE GmbH and LLC - Guiding Precision Medicine
Classification: Uncertain significance for TCF12-related craniosynostosis. Last evaluated: 2018-03-05. Review status: criteria provided, single submitter. Criteria: ACMG Guidelines, 2015. Collection method: clinical testing. Allele origin: maternal. Affected: yes.

Labcorp Genetics (formerly Invitae), Labcorp
Classification: Uncertain significance. Last evaluated: 2017-06-16. Review status: criteria provided, single submitter. Criteria: Invitae Variant Classification Sherloc (09022015). Collection method: clinical testing. Allele origin: germline.
Comment: In summary, this variant has uncertain impact on TCF12 function. The available evidence is currently insufficient to determine its role in disease. Therefore, it has been classified as a Variant of Uncertain Significance. Algorithms developed to predict the effect of missense changes on protein structure and function do not agree on the potential impact of this missense change (SIFT: "Tolerated"; PolyPhen-2: "Possibly Damaging"; Align-GVGD: "Class C0"). This variant has not been reported in the literature in individuals with a TCF12-related disease. This variant is not present in population databases (ExAC no frequency). This sequence change replaces proline with serine at codon 690 of the TCF12 protein (p.Pro690Ser). The proline residue is moderately conserved and there is a moderate physicochemical difference between proline and serine.